The following is an entry in ClinVar:

ClinVar aggregate classification (germline): Benign/Likely benign. Review status: criteria provided, multiple submitters, no conflicts (2 of 4 stars). 6 submissions from 6 submitters: Benign (5); Likely benign (1). Last evaluated 2026-05-08.

Conditions:
Multiple epiphyseal dysplasia type 5 (EDM5). Also called: MATN3-Related Multiple Epiphyseal Dysplasia; Microepiphyseal dysplasia, bilateral hereditary. Identifiers: Orphanet 93311, MedGen C1846843, MONDO:0011765, OMIM 607078.

Allele frequency attached by ClinVar (database versions not stated): 1000 Genomes Project 30x 0.22845; gnomAD exomes 0.25047 and 0.25086; gnomAD 0.25220 and 0.25515; ESP Exome Variant Server 0.24695; ExAC 0.24891; 1000 Genomes Project 0.22784; TOPMed 0.25254.
gnomAD v4.1: 400,645 of 1,599,264 alleles (25%); highest among the groups gnomAD compares: Admixed American, 28%; 51,216 homozygotes.

Submissions (6):

Women's Health and Genetics/Laboratory Corporation of America, LabCorp
Classification: Benign. Last evaluated: 2026-05-08. Review status: criteria provided, single submitter. Criteria: LabCorp Variant Classification Summary - May 2015. Collection method: clinical testing. Allele origin: germline.

Labcorp Genetics (formerly Invitae), Labcorp
Classification: Benign. Last evaluated: 2026-02-04. Review status: criteria provided, single submitter. Criteria: Invitae Variant Classification Sherloc (09022015). Collection method: clinical testing. Allele origin: germline.

GeneDx
Classification: Benign. Last evaluated: 2018-11-12. Review status: criteria provided, single submitter. Criteria: GeneDx Variant Classification Process June 2021. Collection method: clinical testing. Allele origin: germline. Affected: yes.

Illumina Laboratory Services, Illumina
Classification: Benign for Multiple epiphyseal dysplasia type 5. Last evaluated: 2018-01-12. Review status: criteria provided, single submitter. Criteria: ICSL Variant Classification Criteria 13 December 2019. Collection method: clinical testing. Allele origin: germline.
Comment: This variant was observed in the ICSL laboratory as part of a predisposition screen in an ostensibly healthy population. It had not been previously curated by ICSL or reported in the Human Gene Mutation Database (HGMD: prior to June 1st, 2018), and was therefore a candidate for classification through an automated scoring system. Utilizing variant allele frequency, disease prevalence and penetrance estimates, and inheritance mode, an automated score was calculated to assess if this variant is too frequent to cause the disease. Based on the score and internal cut-off values, a variant classified as benign is not then subjected to further curation. The score for this variant resulted in a classification of benign for this disease.

Breakthrough Genomics
Classification: Likely benign. Review status: criteria provided, single submitter. Criteria: ACMG Guidelines, 2015. Collection method: not provided. Allele origin: germline. Inheritance: Autosomal recessive inheritance. Affected: yes.

PreventionGenetics, part of Exact Sciences
Classification: Benign. Review status: criteria provided, single submitter. Criteria: ACMG Guidelines, 2015. Collection method: clinical testing. Allele origin: germline.

NM_002381.5(MATN3):c.1406-4C>T

Genes: WDR35-DT (WDR35 divergent transcript; plus strand), MATN3 (matrilin 3; minus strand). Cytogenetic location: 2p24.1.
Variant type: single nucleotide variant.
Coding change: c.1406-4C>T on transcript NM_002381.5 (MANE Select); 4 bases into the intron before coding-DNA position 1406, C replaced by T.
Molecular consequence: intron variant.
Genome position (GRCh38, 1-based): chr2:19,993,170, G>A on the plus strand (C>T on the coding strand, the complement: MATN3 is on the minus strand). VCF-style: chr2-19993170-G-A. GRCh37 (hg19) VCF-style: chr2-20192931-G-A.
Identifiers: ClinVar variation 258647 (VCV000258647.19), dbSNP rs35973216, ClinGen allele CA1543706.